The following is an entry in ClinVar:

NM_003072.5(SMARCA4):c.1183G>A (p.Asp395Asn)

Gene: SMARCA4 (SWI/SNF related BAF chromatin remodeling complex subunit ATPase 4; plus strand). Cytogenetic location: 19p13.2.
Variant type: single nucleotide variant.
Coding change: c.1183G>A on transcript NM_003072.5 (MANE Select); coding-DNA position 1183, G replaced by A.
Protein change: p.Asp395Asn; replaces aspartic acid 395 with asparagine.
Molecular consequence: missense variant. On other transcripts: non-coding transcript variant (1).
Genome position (GRCh38, 1-based): chr19:10,989,381, G>A. VCF-style: chr19-10989381-G-A. GRCh37 (hg19) VCF-style: chr19-11100057-G-A.
Other names: c.1183G>A, p.Asp395Asn (NM_001128844.3, NM_001128845.2, NM_001128846.2 and 6 more transcripts); short protein forms D395N.
Identifiers: ClinVar variation 1742818 (VCV001742818.2), dbSNP rs2145848554, ClinGen allele CA404059593.

ClinVar aggregate classification (germline): Uncertain significance (1 of 4 stars; one submission).

Conditions:
Hereditary cancer-predisposing syndrome. Also called: Hereditary Cancer Syndrome; Hereditary neoplastic syndrome; Neoplastic Syndromes, Hereditary; Tumor predisposition. Identifiers: Orphanet 140162, MedGen C0027672, MeSH D009386, MONDO:0015356.

Submission:

Ambry Genetics
Classification: Uncertain significance for Hereditary cancer-predisposing syndrome. Last evaluated: 2022-09-12. Review status: criteria provided, single submitter. Criteria: Ambry Variant Classification Scheme 2023. Collection method: clinical testing. Allele origin: germline.
Comment: The p.D395N variant (also known as c.1183G>A), located in coding exon 6 of the SMARCA4 gene, results from a G to A substitution at nucleotide position 1183. The aspartic acid at codon 395 is replaced by asparagine, an amino acid with highly similar properties. This amino acid position is highly conserved in available vertebrate species. In addition, this alteration is predicted to be tolerated by in silico analysis. Missense and in-frame variants in SMARCA4 are known to cause neurodevelopmental disorders; however, such associations with rhabdoid tumor predisposition syndrome including small cell carcinoma of the ovary-hypercalcemic type (SCCOHT) are exceedingly rare (Kosho T et al. Am J Med Genet C Semin Med Genet. 2014 Sep;166C(3):262-75; Jelinic P et al. Nat Genet. 2014 May;46(5):424-6). Based on the supporting evidence, the association of this alteration with Coffin-Siris syndrome is unknown; however, the association of this alteration with rhabdoid tumor predisposition syndrome is unlikely.